The following is an entry in ClinVar:

ClinVar aggregate classification (germline): Benign (1 of 4 stars; one submission).

Conditions:
Colorectal cancer, susceptibility to, 1. Also called: COLORECTAL ADENOMA AND CANCER, SUSCEPTIBILITY TO; COLORECTAL CANCER, SUSCEPTIBILITY TO, ON CHROMOSOME 9. Identifiers: MedGen C1837315, MONDO:0012132, OMIM 608812.

gnomAD v4.1: 1 of 1,159,064 alleles (0.000086%); highest among the groups gnomAD compares: Non-Finnish European, 0.00011%; no homozygotes.

Submission:

Myriad Genetics, Inc.
Classification: Benign for Colorectal cancer, susceptibility to, 1. Last evaluated: 2026-04-22. Review status: criteria provided, single submitter. Criteria: Myriad Autosomal Dominant, Autosomal Recessive and X-Linked Classification Criteria (2023). Collection method: clinical testing. Allele origin: unknown.
Comment: This variant is considered benign. This variant is a silent/synonymous amino acid change and it is not expected to impact splicing.

NM_024642.5(GALNT12):c.78G>T (p.Ala26=)

Genes: GALNT12 (polypeptide N-acetylgalactosaminyltransferase 12; plus strand), LOC130002222 (ATAC-STARR-seq lymphoblastoid silent region 20123; plus strand). Cytogenetic location: 9q22.33.
Variant type: single nucleotide variant.
Coding change: c.78G>T on transcript NM_024642.5 (MANE Select); coding-DNA position 78, G replaced by T.
Protein change: p.Ala26=; no amino-acid change (alanine 26 retained).
Molecular consequence: synonymous variant.
Genome position (GRCh38, 1-based): chr9:98,807,776, G>T. VCF-style: chr9-98807776-G-T. GRCh37 (hg19) VCF-style: chr9-101570058-G-T.
Identifiers: ClinVar variation 4876132 (VCV004876132.1).